The following is an entry in ClinVar:

NM_002691.4(POLD1):c.3308G>A (p.Gly1103Glu)

Gene: POLD1 (DNA polymerase delta 1, catalytic subunit; plus strand). Cytogenetic location: 19q13.33.
Variant type: single nucleotide variant.
Coding change: c.3308G>A on transcript NM_002691.4 (MANE Select); coding-DNA position 3308, G replaced by A.
Protein change: p.Gly1103Glu; replaces glycine 1103 with glutamic acid.
Molecular consequence: missense variant. On other transcripts: non-coding transcript variant (1).
Genome position (GRCh38, 1-based): chr19:50,417,931, G>A. VCF-style: chr19-50417931-G-A. GRCh37 (hg19) VCF-style: chr19-50921188-G-A.
Other names: c.3308G>A, p.Gly1103Glu (NM_001256849.1); c.3386G>A, p.Gly1129Glu (NM_001308632.1); c.3308G>A (NM_002691.2); short protein forms G1129E, G1103E.
Identifiers: ClinVar variation 469342 (VCV000469342.14), dbSNP rs1415038504, ClinGen allele CA406987881.

ClinVar aggregate classification (germline): Conflicting classifications of pathogenicity. Review status: criteria provided, conflicting classifications (1 of 4 stars). 3 submissions from 3 submitters: Uncertain significance (2); Likely benign (1). Last evaluated 2025-12-27.

Conditions:
Hereditary cancer-predisposing syndrome. Also called: Neoplastic Syndromes, Hereditary; Hereditary neoplastic syndrome; Tumor predisposition; Hereditary Cancer Syndrome. Identifiers: Orphanet 140162, MedGen C0027672, MeSH D009386, MONDO:0015356.
POLD1-related polyposis and colorectal cancer syndrome (CRCS10). Also called: Colorectal cancer 10; COLORECTAL CANCER, SUSCEPTIBILITY TO, ON CHROMOSOME 19q; Colorectal cancer, susceptibility to, 10. Identifiers: Orphanet 220460, MedGen C2675481, MONDO:0012953, OMIM 612591.

Allele frequency attached by ClinVar (database versions not stated): gnomAD exomes below 0.00001; TOPMed below 0.00001.

Submissions (3):

Labcorp Genetics (formerly Invitae), Labcorp
Classification: Uncertain significance for POLD1-related polyposis and colorectal cancer syndrome. Last evaluated: 2025-12-27. Review status: criteria provided, single submitter. Criteria: Invitae Variant Classification Sherloc (09022015). Collection method: clinical testing. Allele origin: germline.
Comment: This sequence change replaces glycine, which is neutral and non-polar, with glutamic acid, which is acidic and polar, at codon 1103 of the POLD1 protein (p.Gly1103Glu). This variant is not present in population databases (gnomAD no frequency). This variant has not been reported in the literature in individuals affected with POLD1-related conditions. ClinVar contains an entry for this variant (Variation ID: 469342). An algorithm developed to predict the effect of missense changes on protein structure and function (PolyPhen-2) suggests that this variant is likely to be disruptive. In summary, the available evidence is currently insufficient to determine the role of this variant in disease. Therefore, it has been classified as a Variant of Uncertain Significance.

Ambry Genetics
Classification: Likely benign for Hereditary cancer-predisposing syndrome. Last evaluated: 2025-05-27. Review status: criteria provided, single submitter. Criteria: Ambry Variant Classification Scheme 2023. Collection method: clinical testing. Allele origin: germline.

GeneDx
Classification: Uncertain significance. Last evaluated: 2021-01-12. Review status: criteria provided, single submitter. Criteria: GeneDx Variant Classification Process June 2021. Collection method: clinical testing. Allele origin: germline. Affected: yes.
Comment: Not observed in large population cohorts (Lek 2016); In silico analysis supports that this missense variant does not alter protein structure/function; Has not been previously published as pathogenic or benign to our knowledge